The following is an entry in ClinVar:

NM_014014.5(SNRNP200):c.4826T>C (p.Leu1609Pro)

Gene: SNRNP200 (small nuclear ribonucleoprotein U5 subunit 200; minus strand). Cytogenetic location: 2q11.2.
Variant type: single nucleotide variant.
Coding change: c.4826T>C on transcript NM_014014.5 (MANE Select); coding-DNA position 4826, T replaced by C.
Protein change: p.Leu1609Pro; replaces leucine 1609 with proline.
Molecular consequence: missense variant.
Genome position (GRCh38, 1-based): chr2:96,283,290, A>G on the plus strand (T>C on the coding strand, the complement: SNRNP200 is on the minus strand). VCF-style: chr2-96283290-A-G. GRCh37 (hg19) VCF-style: chr2-96949028-A-G.
Other names: short protein forms L1609P.
Identifiers: ClinVar variation 3720298 (VCV003720298.2).

ClinVar aggregate classification (germline): Uncertain significance (1 of 4 stars; one submission).

gnomAD v4.1: 1 of 1,613,596 alleles (0.000062%); highest among the groups gnomAD compares: Non-Finnish European, 0.000085%; no homozygotes.

Submission:

Labcorp Genetics (formerly Invitae), Labcorp
Classification: Uncertain significance. Last evaluated: 2025-03-17. Review status: criteria provided, single submitter. Criteria: Invitae Variant Classification Sherloc (09022015). Collection method: clinical testing. Allele origin: germline.
Comment: This sequence change replaces leucine, which is neutral and non-polar, with proline, which is neutral and non-polar, at codon 1609 of the SNRNP200 protein (p.Leu1609Pro). This variant is not present in population databases (gnomAD no frequency). This variant has not been reported in the literature in individuals affected with SNRNP200-related conditions. Invitae Evidence Modeling of protein sequence and biophysical properties (such as structural, functional, and spatial information, amino acid conservation, physicochemical variation, residue mobility, and thermodynamic stability) indicates that this missense variant is expected to disrupt SNRNP200 protein function with a positive predictive value of 95%. In summary, the available evidence is currently insufficient to determine the role of this variant in disease. Therefore, it has been classified as a Variant of Uncertain Significance.